The following is an entry in ClinVar:

NM_004667.6(HERC2):c.3596A>G (p.Gln1199Arg)

Gene: HERC2 (HECT and RLD domain containing E3 ubiquitin protein ligase 2; minus strand). Cytogenetic location: 15q13.1.
Variant type: single nucleotide variant.
Coding change: c.3596A>G on transcript NM_004667.6 (MANE Select); coding-DNA position 3596, A replaced by G.
Protein change: p.Gln1199Arg; replaces glutamine 1199 with arginine.
Molecular consequence: missense variant.
Genome position (GRCh38, 1-based): chr15:28,238,754, T>C on the plus strand (A>G on the coding strand, the complement: HERC2 is on the minus strand). VCF-style: chr15-28238754-T-C. GRCh37 (hg19) VCF-style: chr15-28483900-T-C.
Other names: c.3596A>G (NM_004667.4); short protein forms Q1199R.
Identifiers: ClinVar variation 1031461 (VCV001031461.4), dbSNP rs751326087, ClinGen allele CA7442861.

ClinVar aggregate classification (germline): Uncertain significance. Review status: criteria provided, multiple submitters, no conflicts (2 of 4 stars). 2 submissions from 2 submitters: Uncertain significance (2). Last evaluated 2022-01-31.

Conditions:
Inborn genetic diseases. Identifiers: MedGen C0950123, MeSH D030342.
Developmental delay with autism spectrum disorder and gait instability (MRT38). Also called: Intellectual developmental disorder, autosomal recessive 38. Identifiers: Orphanet 329195, MedGen C3809753, MONDO:0014224, OMIM 615516.

Allele frequency attached by ClinVar (database versions not stated): gnomAD exomes below 0.00001; TOPMed below 0.00001; ExAC 0.00001; gnomAD 0.00001.

Submissions (2):

Ambry Genetics
Classification: Uncertain significance for Inborn genetic diseases. Last evaluated: 2022-01-31. Review status: criteria provided, single submitter. Criteria: Ambry Variant Classification Scheme 2023. Collection method: clinical testing. Allele origin: germline.

Baylor Genetics
Classification: Uncertain significance for Developmental delay with autism spectrum disorder and gait instability. Last evaluated: 2018-02-05. Review status: criteria provided, single submitter. Criteria: ACMG Guidelines, 2015. Collection method: clinical testing. Allele origin: paternal. Affected: yes.
Comment: This variant was determined to be of uncertain significance according to ACMG Guidelines, 2015 [PMID:25741868].